The following is an entry in ClinVar:

NM_138576.4(BCL11B):c.2161T>G (p.Phe721Val)

Gene: BCL11B (BCL11 transcription factor B; minus strand). Cytogenetic location: 14q32.2.
Variant type: single nucleotide variant.
Coding change: c.2161T>G on transcript NM_138576.4 (MANE Select); coding-DNA position 2161, T replaced by G.
Protein change: p.Phe721Val; replaces phenylalanine 721 with valine.
Molecular consequence: missense variant.
Genome position (GRCh38, 1-based): chr14:99,174,675, A>C on the plus strand (T>G on the coding strand, the complement: BCL11B is on the minus strand). VCF-style: chr14-99174675-A-C. GRCh37 (hg19) VCF-style: chr14-99641012-A-C.
Other names: c.2158T>G, p.Phe720Val (NM_001282237.2); c.1945T>G, p.Phe649Val (NM_001282238.2); c.1948T>G, p.Phe650Val (NM_022898.3); short protein forms F649V, F650V, F720V, F721V.
Identifiers: ClinVar variation 4531100 (VCV004531100.1).

ClinVar aggregate classification (germline): Uncertain significance (1 of 4 stars; one submission).

Submission:

GeneDx
Classification: Uncertain significance. Last evaluated: 2025-05-21. Review status: criteria provided, single submitter. Criteria: GeneDx Variant Classification Process June 2021. Collection method: clinical testing. Allele origin: germline. Affected: yes.
Comment: Not observed at significant frequency in large population cohorts (gnomAD); In silico analysis supports that this missense variant has a deleterious effect on protein structure/function; Has not been previously published as pathogenic or benign to our knowledge